The following is an entry in ClinVar:

NM_002900.3(RBP3):c.3181A>G (p.Arg1061Gly)

Gene: RBP3 (retinol binding protein 3; plus strand). Cytogenetic location: 10q11.22.
Variant type: single nucleotide variant.
Coding change: c.3181A>G on transcript NM_002900.3 (MANE Select); coding-DNA position 3181, A replaced by G.
Protein change: p.Arg1061Gly; replaces arginine 1061 with glycine.
Molecular consequence: missense variant.
Genome position (GRCh38, 1-based): chr10:47,353,451, A>G. VCF-style: chr10-47353451-A-G. GRCh37 (hg19) VCF-style: chr10-48385911-T-C.
Other names: short protein forms R1061G.
Identifiers: ClinVar variation 1036541 (VCV001036541.8), dbSNP rs782029052, ClinGen allele CA5487118.

ClinVar aggregate classification (germline): Uncertain significance (1 of 4 stars; one submission).

Allele frequency attached by ClinVar (database versions not stated): gnomAD exomes below 0.00001 and 0.00001; ExAC 0.00002.

Submission:

Labcorp Genetics (formerly Invitae), Labcorp
Classification: Uncertain significance. Last evaluated: 2020-08-31. Review status: criteria provided, single submitter. Criteria: Invitae Variant Classification Sherloc (09022015). Collection method: clinical testing. Allele origin: germline.
Comment: In summary, the available evidence is currently insufficient to determine the role of this variant in disease. Therefore, it has been classified as a Variant of Uncertain Significance. Algorithms developed to predict the effect of missense changes on protein structure and function (SIFT, PolyPhen-2, Align-GVGD) all suggest that this variant is likely to be tolerated, but these predictions have not been confirmed by published functional studies and their clinical significance is uncertain. This variant has not been reported in the literature in individuals with RBP3-related conditions. This variant is present in population databases (rs782029052, ExAC 0.02%). This sequence change replaces arginine with glycine at codon 1061 of the RBP3 protein (p.Arg1061Gly). The arginine residue is weakly conserved and there is a moderate physicochemical difference between arginine and glycine.